The following is an entry in ClinVar:

NM_000061.3(BTK):c.1750+5G>A

Gene: BTK (Bruton tyrosine kinase; minus strand). Cytogenetic location: Xq22.1.
Variant type: single nucleotide variant.
Coding change: c.1750+5G>A on transcript NM_000061.3 (MANE Select); 5 bases into the intron after coding-DNA position 1750, G replaced by A.
Molecular consequence: intron variant.
Genome position (GRCh38, 1-based): chrX:101,353,865, C>T on the plus strand (G>A on the coding strand, the complement: BTK is on the minus strand). VCF-style: chrX-101353865-C-T. GRCh37 (hg19) VCF-style: chrX-100608853-C-T.
Other names: IVS17DS, G-A, +5; c.1852+5G>A (NM_001287344.2); c.1222+5G>A (NM_001287345.2).
Identifiers: ClinVar variation 11347 (VCV000011347.7), dbSNP rs864321659, ClinGen allele CA341083.
Genomic context (GRCh38, chrX:101,353,865, plus strand): 5'-GTGAATTTTCCCATTGCATTTCTTATCCTTTGAGCTGTATAATCTGTGTAATCTTATCCA[C>T]TTACCAAAAGCCCAAATGTCAGATTTGCTGCTGAACTTGCTATACATCAGGACTTCCGGT-3'

ClinVar aggregate classification (germline): Pathogenic. Review status: criteria provided, single submitter (1 of 4 stars). 2 submissions from 2 submitters: Pathogenic (1). 1 of the submissions does not count toward it. Last evaluated 2026-01-13.

Conditions:
X-linked agammaglobulinemia with growth hormone deficiency (IGHD3). Also called: HYPOGAMMAGLOBULINEMIA AND ISOLATED GROWTH HORMONE DEFICIENCY, X-LINKED; IGHD III; ISOLATED GROWTH HORMONE DEFICIENCY, TYPE III, WITH AGAMMAGLOBULINEMIA; AGAMMAGLOBULINEMIA AND ISOLATED GROWTH HORMONE DEFICIENCY, X-LINKED; FLEISHER SYNDROME; Isolated growth hormone deficiency type 3. Identifiers: Orphanet 231692, Orphanet 631, MedGen C0472813, MONDO:0010615, OMIM 307200.

Submissions (2):

Labcorp Genetics (formerly Invitae), Labcorp
Classification: Pathogenic for X-linked agammaglobulinemia with growth hormone deficiency. Last evaluated: 2026-01-13. Review status: criteria provided, single submitter. Criteria: Invitae Variant Classification Sherloc (09022015). Collection method: clinical testing. Allele origin: germline.
Comment: This sequence change falls in intron 17 of the BTK gene. It does not directly change the encoded amino acid sequence of the BTK protein. RNA analysis indicates that this variant induces altered splicing and may result in an absent or altered protein product. This variant is not present in population databases (gnomAD no frequency). This variant has been observed in individuals with agammaglobulinemia (PMID: 8013627, 14974089, 29709555, 30240888). This variant is also known as 1882+5G>A and IVS17+5G>A. ClinVar contains an entry for this variant (Variation ID: 11347). Variants that disrupt the consensus splice site are a relatively common cause of aberrant splicing (PMID: 17576681, 9536098). Studies have shown that this variant alters mRNA splicing and is expected to lead to the loss of protein expression (PMID: 8013627). For these reasons, this variant has been classified as Pathogenic.

OMIM
Classification: Pathogenic for ISOLATED GROWTH HORMONE DEFICIENCY, TYPE III, WITH AGAMMAGLOBULINEMIA. Last evaluated: 1994-06-13. Review status: no assertion criteria provided. Collection method: literature only. Allele origin: germline. Not counted in ClinVar's aggregate classification.

Literature cited by the submitters: PubMed 8013627 (cited by Labcorp Genetics (formerly Invitae), Labcorp and OMIM); PubMed 14974089 (cited by Labcorp Genetics (formerly Invitae), Labcorp); PubMed 29709555 (cited by Labcorp Genetics (formerly Invitae), Labcorp); PubMed 30240888 (cited by Labcorp Genetics (formerly Invitae), Labcorp); PubMed 17576681 (cited by Labcorp Genetics (formerly Invitae), Labcorp); PubMed 9536098 (cited by Labcorp Genetics (formerly Invitae), Labcorp).